The following is an entry in ClinVar:

NM_000360.4(TH):c.576+3G>A

Gene: TH (tyrosine hydroxylase; minus strand). Cytogenetic location: 11p15.5.
Variant type: single nucleotide variant.
Coding change: c.576+3G>A on transcript NM_000360.4 (MANE Select); 3 bases into the intron after coding-DNA position 576, G replaced by A.
Molecular consequence: intron variant.
Genome position (GRCh38, 1-based): chr11:2,168,088, C>T on the plus strand (G>A on the coding strand, the complement: TH is on the minus strand). VCF-style: chr11-2168088-C-T. GRCh37 (hg19) VCF-style: chr11-2189318-C-T.
Other names: c.657+3G>A (NM_199293.3); c.669+3G>A (NM_199292.3).
Identifiers: ClinVar variation 1389914 (VCV001389914.3), dbSNP rs761872336, ClinGen allele CA5818611.

ClinVar aggregate classification (germline): Uncertain significance (1 of 4 stars; one submission).

Conditions:
TH-deficient dopa-responsive dystonia. Also called: Tyrosine Hydroxylase-Deficient Dopa-Responsive Dystonia; Segawa syndrome, autosomal recessive; DYT-TH. Identifiers: Orphanet 101150, MedGen C2673535, MONDO:0011551, OMIM 605407.

Allele frequency attached by ClinVar (database versions not stated): gnomAD exomes 0.00001; ExAC 0.00002.
gnomAD v4.1: 16 of 1,613,444 alleles (0.00099%); highest among the groups gnomAD compares: South Asian, 0.014%; 1 homozygote.

Submission:

Labcorp Genetics (formerly Invitae), Labcorp
Classification: Uncertain significance for TH-deficient dopa-responsive dystonia. Last evaluated: 2021-09-10. Review status: criteria provided, single submitter. Criteria: Invitae Variant Classification Sherloc (09022015). Collection method: clinical testing. Allele origin: germline.
Comment: This sequence change falls in intron 5 of the TH gene. It does not directly change the encoded amino acid sequence of the TH protein. It affects a nucleotide within the consensus splice site of the intron. This variant is present in population databases (rs761872336, ExAC 0.01%), including at least one homozygous and/or hemizygous individual. This variant has not been reported in the literature in individuals affected with TH-related conditions. Nucleotide substitutions within the consensus splice site are a relatively common cause of aberrant splicing (PMID: 17576681, 9536098). Algorithms developed to predict the effect of sequence changes on RNA splicing suggest that this variant is not likely to affect RNA splicing. In summary, the available evidence is currently insufficient to determine the role of this variant in disease. Therefore, it has been classified as a Variant of Uncertain Significance.

Literature cited by the submitters: PubMed 17576681; PubMed 9536098.